The following is an entry in ClinVar:

ClinVar aggregate classification (germline): Uncertain significance. Review status: criteria provided, multiple submitters, no conflicts (2 of 4 stars). 2 submissions from 2 submitters: Uncertain significance (2). Last evaluated 2022-12-01.

Allele frequency attached by ClinVar (database versions not stated): ExAC 0.00001; gnomAD 0.00001 and 0.00002; gnomAD exomes 0.00001 and 0.00004; TOPMed 0.00001; 1000 Genomes Project 30x 0.00031; 1000 Genomes Project 0.00040.

Submissions (2):

Blueprint Genetics
Classification: Uncertain significance. Last evaluated: 2022-12-01. Review status: criteria provided, single submitter. Criteria: ACMG Guidelines, 2015. Collection method: clinical testing. Allele origin: germline.

Labcorp Genetics (formerly Invitae), Labcorp
Classification: Uncertain significance. Last evaluated: 2022-10-24. Review status: criteria provided, single submitter. Criteria: Invitae Variant Classification Sherloc (09022015). Collection method: clinical testing. Allele origin: germline.
Comment: In summary, the available evidence is currently insufficient to determine the role of this variant in disease. Therefore, it has been classified as a Variant of Uncertain Significance. This variant has not been reported in the literature in individuals affected with CEP19-related conditions. Algorithms developed to predict the effect of missense changes on protein structure and function are either unavailable or do not agree on the potential impact of this missense change (SIFT: "Deleterious"; PolyPhen-2: "Benign"; Align-GVGD: "Class C0"). ClinVar contains an entry for this variant (Variation ID: 1442639). This variant is present in population databases (rs181652552, gnomAD 0.05%). This sequence change replaces asparagine, which is neutral and polar, with serine, which is neutral and polar, at codon 58 of the CEP19 protein (p.Asn58Ser).

NM_032898.5(CEP19):c.161A>G (p.Asn54Ser)

Gene: CEP19 (centrosomal protein 19; minus strand). Cytogenetic location: 3q29.
Variant type: single nucleotide variant.
Coding change: c.161A>G on transcript NM_032898.5 (MANE Select); coding-DNA position 161, A replaced by G.
Protein change: p.Asn54Ser; replaces asparagine 54 with serine.
Molecular consequence: missense variant.
Genome position (GRCh38, 1-based): chr3:196,707,882, T>C on the plus strand (A>G on the coding strand, the complement: CEP19 is on the minus strand). VCF-style: chr3-196707882-T-C. GRCh37 (hg19) VCF-style: chr3-196434753-T-C.
Other names: c.56A>G, p.Asn19Ser (NM_001379468.1); c.161A>G, p.Asn54Ser (NM_001379469.1, NM_001379470.1); short protein forms N54S, N19S.
Identifiers: ClinVar variation 1442639 (VCV001442639.6), dbSNP rs181652552, ClinGen allele CA2782133.